The following is an entry in ClinVar:

NM_005861.4(STUB1):c.207C>G (p.Cys69Trp)

Gene: STUB1 (STIP1 homology and U-box containing protein 1; plus strand). Cytogenetic location: 16p13.3.
Variant type: single nucleotide variant.
Coding change: c.207C>G on transcript NM_005861.4 (MANE Select); coding-DNA position 207, C replaced by G.
Protein change: p.Cys69Trp; replaces cysteine 69 with tryptophan.
Molecular consequence: missense variant. On other transcripts: 5 prime UTR variant (1).
Genome position (GRCh38, 1-based): chr16:681,199, C>G. VCF-style: chr16-681199-C-G. GRCh37 (hg19) VCF-style: chr16-731199-C-G.
Other names: c.-10C>G (NM_001293197.2); short protein forms C69W.
Identifiers: ClinVar variation 2503107 (VCV002503107.2), dbSNP rs2543803363, ClinGen allele CA394110297.

ClinVar aggregate classification (germline): Conflicting classifications of pathogenicity. Review status: criteria provided, conflicting classifications (1 of 4 stars). 2 submissions from 2 submitters: Likely pathogenic (1); Uncertain significance (1). Last evaluated 2023-03-21.

Conditions:
Autosomal recessive spinocerebellar ataxia 16. Identifiers: Orphanet 412057, MedGen C5190574, MONDO:0014339, OMIM 615768.

gnomAD v4.1: 1 of 1,602,892 alleles (0.000062%); highest among the groups gnomAD compares: Non-Finnish European, 0.000085%; no homozygotes.

Submissions (2):

Johns Hopkins Genomics, Johns Hopkins University
Classification: Likely pathogenic for Autosomal recessive spinocerebellar ataxia 16. Last evaluated: 2023-03-21. Review status: criteria provided, single submitter. Criteria: ACMG Guidelines, 2015. Collection method: clinical testing. Allele origin: germline.
Comment: This STUB1 variant is absent from a large population dataset and has not been reported in ClinVar nor the literature, to our knowledge. Two bioinformatic tools queried predict that this substitution would be damaging, and the cysteine residue at this position is strongly conserved across the vertebrate species assessed. A different amino acid substitution at this position (p.Cys69Tyr) was reported in the literature in two unrelated individuals (ages 44 and 74) with spinocerebellar ataxia 48. Bioinformatic analysis predicts that this missense variant would not affect normal exon 2 splicing, although this has not been confirmed experimentally to our knowledge. This variant was detected in trans with a likely pathogenic STUB1 variant. We consider c.207C>G (p.Cys69Trp) to be likely pathogenic for spinocerebellar ataxia, autosomal recessive 16.

Blueprint Genetics
Classification: Uncertain significance. Last evaluated: 2021-10-04. Review status: criteria provided, single submitter. Criteria: ACMG Guidelines, 2015. Collection method: clinical testing. Allele origin: germline.

Literature cited by the submitters: PubMed 24312598 (cited by Johns Hopkins Genomics, Johns Hopkins University); PubMed 33200713 (cited by Johns Hopkins Genomics, Johns Hopkins University).